The following is an entry in ClinVar:

ClinVar aggregate classification (germline): Pathogenic/Likely pathogenic. Review status: criteria provided, multiple submitters, no conflicts (2 of 4 stars). 4 submissions from 4 submitters: Pathogenic (1); Likely pathogenic (3). Last evaluated 2026-02-01.

Conditions:
C9-related disorders.
C9-related disorder. Also called: C9-related condition.
Age related macular degeneration 15. Also called: MACULAR DEGENERATION, AGE-RELATED, 15, SUSCEPTIBILITY TO. Identifiers: MedGen C3810042, MONDO:0014266, OMIM 615591.
Complement component 9 deficiency (C9D). Also called: C9 deficiency. Identifiers: MedGen C3151189, MONDO:0013445, OMIM 613825.

Allele frequency attached by ClinVar (database versions not stated): gnomAD exomes 0.00004 and 0.00013; ExAC 0.00013; gnomAD 0.00042 and 0.00046; TOPMed 0.00064; ESP Exome Variant Server 0.00104.

Submissions (4):

Labcorp Genetics (formerly Invitae), Labcorp
Classification: Pathogenic. Last evaluated: 2026-02-01. Review status: criteria provided, single submitter. Criteria: Invitae Variant Classification Sherloc (09022015). Collection method: clinical testing. Allele origin: germline.
Comment: This sequence change creates a premature translational stop signal (p.Leu241*) in the C9 gene. It is expected to result in an absent or disrupted protein product. Loss-of-function variants in C9 are known to be pathogenic (PMID: 9144525, 9570574). This variant is present in population databases (rs774253048, gnomAD 0.2%). This premature translational stop signal has been observed in individual(s) with terminal pathway complement deficiency (PMID: 31440263). ClinVar contains an entry for this variant (Variation ID: 1033864). For these reasons, this variant has been classified as Pathogenic.

PreventionGenetics, part of Exact Sciences
Classification: Likely pathogenic for C9-related condition. Last evaluated: 2024-10-17. Review status: criteria provided, single submitter. Criteria: ACMG Guidelines, 2015. Collection method: clinical testing. Allele origin: germline.
Comment: The C9 c.721delC variant is predicted to result in premature protein termination (p.Leu241*). This variant has been reported in an individual with complement deficiency (Supplementary Table 2 in El Sissy et al. 2019. PubMed ID: 31440263). This variant is reported in 0.20% of alleles in individuals of African descent in gnomAD. Loss-of-function variants in the C9 gene are expected to be pathogenic. This variant is interpreted as likely pathogenic.

Blueprint Genetics
Classification: Likely pathogenic for C9-related disorders. Last evaluated: 2024-07-09. Review status: criteria provided, single submitter. Criteria: ACMG Guidelines, 2015. Collection method: clinical testing. Allele origin: germline. Affected: yes. Observed: 5 variant alleles.

Fulgent Genetics
Classification: Likely pathogenic for Complement component 9 deficiency; Age related macular degeneration 15. Last evaluated: 2024-04-25. Review status: criteria provided, single submitter. Criteria: ACMG Guidelines, 2015. Collection method: clinical testing. Allele origin: germline.

Literature cited by the submitters: PubMed 9144525 (cited by Labcorp Genetics (formerly Invitae), Labcorp); PubMed 9570574 (cited by Labcorp Genetics (formerly Invitae), Labcorp); PubMed 31440263 (cited by Labcorp Genetics (formerly Invitae), Labcorp).

NM_001737.5(C9):c.721del (p.Ser240_Leu241insTer)

Gene: C9 (complement C9; minus strand). Cytogenetic location: 5p13.1.
Variant type: Deletion.
Coding change: c.721del on transcript NM_001737.5 (MANE Select); coding-DNA position 721, one base deleted (C; older notation c.721delC).
Protein change: p.Ser240_Leu241insTer.
Molecular consequence: nonsense.
Genome position (GRCh38, 1-based): chr5:39,315,924, G deleted on the plus strand (C on the coding strand, the reverse complement: C9 is on the minus strand). VCF-style (leftmost placement, unchanged base first): chr5-39315923-AG-A. GRCh37 (hg19) VCF-style: chr5-39316025-AG-A.
Other names: c.721delC (NM_001737.4).
Identifiers: ClinVar variation 1033864 (VCV001033864.11), dbSNP rs774253048, ClinGen allele CA3246908.
Genomic context (GRCh38, chr5:39,315,923, plus strand): 5'-GAGGAGGCTGTTTCCTCACAACATTGTTCAGCTTTATTTGTTTCAGTGGGTGTAAATTTT[AG>A]AGATATAGCTGCATTAAAATTTGATGTCTTCTCTTGGATGATACTTTTAAATGCTTCAAT-3'